The following is an entry in ClinVar:

NM_022089.4(ATP13A2):c.289-3C>T

Gene: ATP13A2 (ATPase cation transporting 13A2; minus strand). Cytogenetic location: 1p36.13.
Variant type: single nucleotide variant.
Coding change: c.289-3C>T on transcript NM_022089.4 (MANE Select); 3 bases into the intron before coding-DNA position 289, C replaced by T.
Molecular consequence: intron variant.
Genome position (GRCh38, 1-based): chr1:17,005,075, G>A on the plus strand (C>T on the coding strand, the complement: ATP13A2 is on the minus strand). VCF-style: chr1-17005075-G-A. GRCh37 (hg19) VCF-style: chr1-17331570-G-A.
Other names: c.289-3C>T (NM_001141974.3, NM_001141973.3).
Identifiers: ClinVar variation 1339099 (VCV001339099.2), dbSNP rs2101110558, ClinGen allele CA416074671.

ClinVar aggregate classification (germline): Uncertain significance (1 of 4 stars; one submission).

Conditions:
Autosomal recessive spastic paraplegia type 78. Identifiers: Orphanet 513436, MedGen C5567893, MONDO:0014975, OMIM 617225.

Allele frequency attached by ClinVar (database versions not stated): gnomAD exomes below 0.00001.
gnomAD v4.1: 1 of 1,614,038 alleles (0.000062%); highest among the groups gnomAD compares: South Asian, 0.0011%; no homozygotes.

Submission:

Neuberg Centre For Genomic Medicine, NCGM
Classification: Uncertain significance for Autosomal recessive spastic paraplegia type 78. Review status: criteria provided, single submitter. Criteria: ACMG Guidelines, 2015. Collection method: clinical testing. Allele origin: germline. Affected: yes.
Comment: The splice region variant c.289-3C>T in ATP13A2 (NM_022089.4) has not been reported previously as a pathogenic variant nor as a benign variant, to our knowledge. The c.289-3C>T variant is novel (not in any individuals) in gnomAD Exomes and is novel (not in any individuals) in 1000 Genomes. The c.289-3C>T variant is not predicted to disrupt splicing by any splice site algorithm. The c.289-3C>T variant results in a substitution of a base that is not predicted conserved by GERP++ and PhyloP. For these reasons, this variant has been classified as Uncertain Significance.